The following is an entry in ClinVar:

NM_024884.3(L2HGDH):c.208C>T (p.Arg70Ter)

Gene: L2HGDH (L-2-hydroxyglutarate dehydrogenase; minus strand). Cytogenetic location: 14q21.3.
Variant type: single nucleotide variant.
Coding change: c.208C>T on transcript NM_024884.3 (MANE Select); coding-DNA position 208, C replaced by T.
Protein change: p.Arg70Ter; replaces arginine 70 with a stop codon.
Molecular consequence: nonsense.
Genome position (GRCh38, 1-based): chr14:50,302,950, G>A on the plus strand (C>T on the coding strand, the complement: L2HGDH is on the minus strand). VCF-style: chr14-50302950-G-A. GRCh37 (hg19) VCF-style: chr14-50769668-G-A.
Other names: p.Arg70*; short protein forms R70*.
Identifiers: ClinVar variation 580563 (VCV000580563.13), dbSNP rs937345512, ClinGen allele CA260760325.

ClinVar aggregate classification (germline): Pathogenic. Review status: criteria provided, multiple submitters, no conflicts (2 of 4 stars). 8 submissions from 8 submitters: Pathogenic (6). 2 of the submissions do not count toward it. Last evaluated 2026-02-11.

Conditions:
L-2-hydroxyglutaric aciduria (L2HGA). Identifiers: Orphanet 79314, MedGen C1855995, MONDO:0009370, OMIM 236792, HP:0040144.
L2HGDH-related disorders.

Allele frequency attached by ClinVar (database versions not stated): gnomAD 0.00001; gnomAD exomes 0.00001 and 0.00002; TOPMed 0.00002.
gnomAD v4.1: 26 of 1,613,606 alleles (0.0016%); highest among the groups gnomAD compares: Admixed American, 0.0083%; no homozygotes.

Submissions (8):

Dasa
Classification: Pathogenic. Last evaluated: 2026-02-11. Review status: criteria provided, single submitter. Criteria: DASA Assertion Criteria. Collection method: clinical testing. Allele origin: germline.
Comment: NM_024884.3(L2HGDH):c.208C>T (p.Arg70*) introduces a premature termination codon predicted to result in loss of normal protein function. Loss-of-function is an established mechanism of disease for this gene. This variant has been reported in individuals with related phenotype (PMID: 16134148). The variant is present at low frequency in population datasets. Based on the available data, this variant is classified as pathogenic.

GeneDx
Classification: Pathogenic. Last evaluated: 2025-11-04. Review status: criteria provided, single submitter. Criteria: GeneDx Variant Classification Process June 2021. Collection method: clinical testing. Allele origin: germline. Affected: yes.
Comment: Reported previously as a homozygous variant in a patient with growth issues, fine and gross motor delay, speech delay, intellectual disabilities, learning disability, developmental regression, periventricular leukomalacia, white matter disease, and seizure (PMID: 31130284); Nonsense variant predicted to result in protein truncation or nonsense mediated decay in a gene for which loss of function is a known mechanism of disease; This variant is associated with the following publications: (PMID: 16134148, 25525159, 31589614, 37105015, 33839641, 31130284)

Labcorp Genetics (formerly Invitae), Labcorp
Classification: Pathogenic for L-2-hydroxyglutaric aciduria. Last evaluated: 2025-10-21. Review status: criteria provided, single submitter. Criteria: Invitae Variant Classification Sherloc (09022015). Collection method: clinical testing. Allele origin: germline.
Comment: This sequence change creates a premature translational stop signal (p.Arg70*) in the L2HGDH gene. It is expected to result in an absent or disrupted protein product. Loss-of-function variants in L2HGDH are known to be pathogenic (PMID: 16134148, 20052767). This variant is present in population databases (no rsID available, gnomAD 0.006%). This premature translational stop signal has been observed in individuals with L-2-hydroxyglutaric aciduria (PMID: 16134148). ClinVar contains an entry for this variant (Variation ID: 580563). Algorithms developed to predict the effect of sequence changes on RNA splicing suggest that this variant may disrupt the consensus splice site. For these reasons, this variant has been classified as Pathogenic.

Blueprint Genetics
Classification: Pathogenic for L2HGDH-related disorders. Last evaluated: 2024-11-05. Review status: criteria provided, single submitter. Criteria: ACMG Guidelines, 2015. Collection method: clinical testing. Allele origin: germline. Affected: yes. Observed: 1 variant allele.

Mayo Clinic Laboratories, Mayo Clinic
Classification: Pathogenic. Last evaluated: 2023-08-24. Review status: criteria provided, single submitter. Criteria: ACMG Guidelines, 2015. Collection method: clinical testing. Allele origin: germline. Observed: 1 variant allele.
Comment: PP4, PM2_moderate, PM3, PS4, PVS1

Laboratorio de Genetica e Diagnostico Molecular, Hospital Israelita Albert Einstein
Classification: Pathogenic for L-2-hydroxyglutaric aciduria. Last evaluated: 2023-01-06. Review status: criteria provided, single submitter. Criteria: ACMG Guidelines, 2015. Collection method: clinical testing. Allele origin: germline. Affected: yes.
Comment: ACMG classification criteria: PVS1 very strong, PS4 supporting, PM2 moderated

Clinical Genetics DNA and cytogenetics Diagnostics Lab, Erasmus MC, Erasmus Medical Center
Classification: Pathogenic. Review status: no assertion criteria provided. Collection method: clinical testing. Allele origin: germline. Affected: yes. Study: VKGL Data-share Consensus. Not counted in ClinVar's aggregate classification.

Diagnostic Laboratory, Department of Genetics, University Medical Center Groningen
Classification: Pathogenic. Review status: no assertion criteria provided. Collection method: clinical testing. Allele origin: germline. Affected: yes. Study: VKGL Data-share Consensus. Not counted in ClinVar's aggregate classification.

Literature cited by the submitters: PubMed 16134148 (cited by 3 submitters); PubMed 20052767 (cited by Labcorp Genetics (formerly Invitae), Labcorp and Mayo Clinic Laboratories, Mayo Clinic).